The following is an entry in ClinVar:

NM_001165963.4(SCN1A):c.2137G>A (p.Ala713Thr)

Gene: SCN1A (sodium voltage-gated channel alpha subunit 1; minus strand). Cytogenetic location: 2q24.3.
Variant type: single nucleotide variant.
Coding change: c.2137G>A on transcript NM_001165963.4 (MANE Select); coding-DNA position 2137, G replaced by A.
Protein change: p.Ala713Thr; replaces alanine 713 with threonine.
Molecular consequence: missense variant. On other transcripts: 5 prime UTR variant (1), non-coding transcript variant (1).
Genome position (GRCh38, 1-based): chr2:166,042,331, C>T on the plus strand (G>A on the coding strand, the complement: SCN1A is on the minus strand). VCF-style: chr2-166042331-C-T. GRCh37 (hg19) VCF-style: chr2-166898841-C-T.
Other names: c.2053G>A, p.Ala685Thr (NM_001165964.3, NM_001353957.2, NM_001353958.2); c.2137G>A, p.Ala713Thr (NM_001202435.3, NM_001353948.2); c.2104G>A, p.Ala702Thr (NM_001353949.2, NM_001353950.2, NM_001353951.2 and 2 more transcripts); c.2101G>A, p.Ala701Thr (NM_001353954.2, NM_001353955.2); c.2050G>A, p.Ala684Thr (NM_001353960.2); c.-322G>A (NM_001353961.2); short protein forms A701T, A702T, A713T, A684T, A685T.
Identifiers: ClinVar variation 2777417 (VCV002777417.3), dbSNP rs1697283181, ClinGen allele CA349065771.

ClinVar aggregate classification (germline): Uncertain significance (1 of 4 stars; one submission).

Conditions:
Early-infantile DEE. Also called: Ohtahara syndrome; Early infantile epileptic encephalopathy; Early infantile epileptic encephalopathy with suppression bursts. Identifiers: Orphanet 1934, MedGen C0393706, MONDO:0800491.

Allele frequency attached by ClinVar (database versions not stated): TOPMed 0.00001.

Submission:

Labcorp Genetics (formerly Invitae), Labcorp
Classification: Uncertain significance for Early-infantile DEE. Last evaluated: 2023-08-11. Review status: criteria provided, single submitter. Criteria: Invitae Variant Classification Sherloc (09022015). Collection method: clinical testing. Allele origin: germline.
Comment: Advanced modeling of protein sequence and biophysical properties (such as structural, functional, and spatial information, amino acid conservation, physicochemical variation, residue mobility, and thermodynamic stability) has been performed at Invitae for this missense variant, however the output from this modeling did not meet the statistical confidence thresholds required to predict the impact of this variant on SCN1A protein function. This variant has not been reported in the literature in individuals affected with SCN1A-related conditions. This variant is not present in population databases (gnomAD no frequency). This sequence change replaces alanine, which is neutral and non-polar, with threonine, which is neutral and polar, at codon 713 of the SCN1A protein (p.Ala713Thr). In summary, the available evidence is currently insufficient to determine the role of this variant in disease. Therefore, it has been classified as a Variant of Uncertain Significance.